The following is an entry in ClinVar:

NM_000070.3(CAPN3):c.1684G>A (p.Glu562Lys)

Gene: CAPN3 (calpain 3; plus strand). Cytogenetic location: 15q15.1.
Variant type: single nucleotide variant.
Coding change: c.1684G>A on transcript NM_000070.3 (MANE Select); coding-DNA position 1684, G replaced by A.
Protein change: p.Glu562Lys; replaces glutamic acid 562 with lysine.
Molecular consequence: missense variant.
Genome position (GRCh38, 1-based): chr15:42,402,941, G>A. VCF-style: chr15-42402941-G-A. GRCh37 (hg19) VCF-style: chr15-42695139-G-A.
Other names: c.1684G>A, p.Glu562Lys (NM_024344.2); c.1540G>A, p.Glu514Lys (NM_173087.2); c.148G>A, p.Glu50Lys (NM_173088.2); c.*800G>A (NM_212464.2); c.*1377G>A (NM_212467.2); c.1684G>A (NM_000070.2); short protein forms E50K, E562K, E514K.
Identifiers: ClinVar variation 2198998 (VCV002198998.4), dbSNP rs760550297, ClinGen allele CA269844702.

ClinVar aggregate classification (germline): Uncertain significance. Review status: criteria provided, multiple submitters, no conflicts (2 of 4 stars). 2 submissions from 2 submitters: Uncertain significance (2). Last evaluated 2024-07-03.

Conditions:
Inborn genetic diseases. Identifiers: MedGen C0950123, MeSH D030342.
Autosomal recessive limb-girdle muscular dystrophy type 2A (LGMDR1). Also called: LEYDEN-MOEBIUS MUSCULAR DYSTROPHY; MUSCULAR DYSTROPHY, PELVOFEMORAL; Limb-girdle muscular dystrophy, type 2A; Calpainopathy; Muscular dystrophy, limb-girdle, type 2A, Amish. Identifiers: Orphanet 267, MedGen C1869123, MONDO:0009675, OMIM 253600. Disease mechanism: loss of function.

Allele frequency attached by ClinVar (database versions not stated): gnomAD 0.00001; gnomAD exomes 0.00002; TOPMed 0.00002.
gnomAD v4.1: 28 of 1,614,026 alleles (0.0017%); highest among the groups gnomAD compares: Admixed American, 0.0033%; no homozygotes.

Submissions (2):

Labcorp Genetics (formerly Invitae), Labcorp
Classification: Uncertain significance for Autosomal recessive limb-girdle muscular dystrophy type 2A. Last evaluated: 2024-07-03. Review status: criteria provided, single submitter. Criteria: Invitae Variant Classification Sherloc (09022015). Collection method: clinical testing. Allele origin: germline.
Comment: This sequence change replaces glutamic acid, which is acidic and polar, with lysine, which is basic and polar, at codon 562 of the CAPN3 protein (p.Glu562Lys). This variant is present in population databases (rs760550297, gnomAD 0.003%). This variant has not been reported in the literature in individuals affected with CAPN3-related conditions. ClinVar contains an entry for this variant (Variation ID: 2198998). Advanced modeling of protein sequence and biophysical properties (such as structural, functional, and spatial information, amino acid conservation, physicochemical variation, residue mobility, and thermodynamic stability) performed at Invitae indicates that this missense variant is not expected to disrupt CAPN3 protein function with a negative predictive value of 80%. In summary, the available evidence is currently insufficient to determine the role of this variant in disease. Therefore, it has been classified as a Variant of Uncertain Significance.

Ambry Genetics
Classification: Uncertain significance for Inborn genetic diseases. Last evaluated: 2023-08-21. Review status: criteria provided, single submitter. Criteria: Ambry Variant Classification Scheme 2023. Collection method: clinical testing. Allele origin: germline.